The following is an entry in ClinVar:

ClinVar aggregate classification (germline): Conflicting classifications of pathogenicity. Review status: criteria provided, conflicting classifications (1 of 4 stars). 2 submissions from 2 submitters: Uncertain significance (1); Likely benign (1). Last evaluated 2024-03-22.

Conditions:
Hyperkalemic periodic paralysis. Also called: Familial hyperkalemic periodic paralysis; Gamstorp disease. Identifiers: Orphanet 682, MedGen C0238357, MONDO:0008224, OMIM 170500, HP:0007215.
Inborn genetic diseases. Identifiers: MedGen C0950123, MeSH D030342.

Allele frequency attached by ClinVar (database versions not stated): gnomAD exomes 0.00001.

Submissions (2):

Labcorp Genetics (formerly Invitae), Labcorp
Classification: Uncertain significance for Hyperkalemic periodic paralysis. Last evaluated: 2024-03-22. Review status: criteria provided, single submitter. Criteria: Invitae Variant Classification Sherloc (09022015). Collection method: clinical testing. Allele origin: germline.
Comment: This sequence change replaces aspartic acid, which is acidic and polar, with asparagine, which is neutral and polar, at codon 1764 of the SCN4A protein (p.Asp1764Asn). This variant is not present in population databases (gnomAD no frequency). This variant has not been reported in the literature in individuals affected with SCN4A-related conditions. ClinVar contains an entry for this variant (Variation ID: 1431721). Algorithms developed to predict the effect of missense changes on protein structure and function output the following: SIFT: "Not Available"; PolyPhen-2: "Benign"; Align-GVGD: "Not Available". The asparagine amino acid residue is found in multiple mammalian species, which suggests that this missense change does not adversely affect protein function. In summary, the available evidence is currently insufficient to determine the role of this variant in disease. Therefore, it has been classified as a Variant of Uncertain Significance.

Ambry Genetics
Classification: Likely benign for Inborn genetic diseases. Last evaluated: 2021-08-10. Review status: criteria provided, single submitter. Criteria: Ambry Variant Classification Scheme 2023. Collection method: clinical testing. Allele origin: germline.

NM_000334.4(SCN4A):c.5290G>A (p.Asp1764Asn)

Genes: SCN4A (sodium voltage-gated channel alpha subunit 4; minus strand), GH-LCR (growth hormone locus control region; plus strand). Cytogenetic location: 17q23.3.
Variant type: single nucleotide variant.
Coding change: c.5290G>A on transcript NM_000334.4 (MANE Select); coding-DNA position 5290, G replaced by A.
Protein change: p.Asp1764Asn; replaces aspartic acid 1764 with asparagine.
Molecular consequence: missense variant.
Genome position (GRCh38, 1-based): chr17:63,940,992, C>T on the plus strand (G>A on the coding strand, the complement: SCN4A is on the minus strand). VCF-style: chr17-63940992-C-T. GRCh37 (hg19) VCF-style: chr17-62018352-C-T.
Other names: short protein forms D1764N.
Identifiers: ClinVar variation 1431721 (VCV001431721.7), dbSNP rs2144773136, ClinGen allele CA400612994.
Genomic context (GRCh38, chr17:63,940,992, plus strand): 5'-TCTCGTGGCCATACATCTTGCTCATGGTGTTGGCAAGCAGCCCCTCCTTCTCAGGGGCGT[C>T]ATCCCCGCTGCCGTCGTGGCTGTGGCGGTACATGTAGGATGCCTGCTTCATGGAGCGCTG-3'
Protein context (NP_000325.4, residues 1754-1774): YRHSHDGSGD[Asp1764Asn]APEKEGLLAN